The following is an entry in ClinVar:

ClinVar aggregate classification (germline): Uncertain significance (1 of 4 stars; one submission).

Conditions:
Hereditary cancer-predisposing syndrome. Also called: Neoplastic Syndromes, Hereditary; Tumor predisposition; Hereditary Cancer Syndrome; Hereditary neoplastic syndrome. Identifiers: Orphanet 140162, MedGen C0027672, MeSH D009386, MONDO:0015356.

Submission:

Ambry Genetics
Classification: Uncertain significance for Hereditary cancer-predisposing syndrome. Last evaluated: 2017-12-12. Review status: criteria provided, single submitter. Criteria: Ambry Variant Classification Scheme 2023. Collection method: clinical testing. Allele origin: germline.
Comment: The c.73delC variant, located in coding exon 1 of the HOXB13 gene, results from a deletion of one nucleotide at nucleotide position 73, causing a translational frameshift with a predicted alternate stop codon (p.R25Gfs*9). This alteration is expected to result in loss of function by premature protein truncation or nonsense-mediated mRNA decay. However, loss of function via haploinsufficiency in HOXB13 has not been clearly established as a mechanism of disease. Since supporting evidence is limited at this time, the clinical significance of this alteration remains unclear.

NM_006361.6(HOXB13):c.73del (p.Arg25fs)

Gene: HOXB13 (homeobox B13; minus strand). Cytogenetic location: 17q21.32.
Variant type: Deletion.
Coding change: c.73del on transcript NM_006361.6 (MANE Select); coding-DNA position 73, one base deleted (C; older notation c.73delC).
Protein change: p.Arg25fs; shifts the reading frame from arginine 25.
Molecular consequence: frameshift variant.
Genome position (GRCh38, 1-based): chr17:48,728,521, G deleted on the plus strand (C on the coding strand, the reverse complement: HOXB13 is on the minus strand). VCF-style (leftmost placement, unchanged base first): chr17-48728520-CG-C. GRCh37 (hg19) VCF-style: chr17-46805882-CG-C.
Other names: short protein forms R25fs.
Identifiers: ClinVar variation 1758721 (VCV001758721.2), dbSNP rs2509516098, ClinGen allele CA2580094235.